The following is an entry in ClinVar:

NM_000136.3(FANCC):c.997-3C>T

Genes: AOPEP (aminopeptidase O (putative); plus strand), FANCC (FA complementation group C; minus strand). Cytogenetic location: 9q22.32.
Variant type: single nucleotide variant.
Coding change: c.997-3C>T on transcript NM_000136.3 (MANE Select); 3 bases into the intron before coding-DNA position 997, C replaced by T.
Molecular consequence: intron variant.
Genome position (GRCh38, 1-based): chr9:95,117,393, G>A on the plus strand (C>T on the coding strand, the complement: FANCC is on the minus strand). VCF-style: chr9-95117393-G-A. GRCh37 (hg19) VCF-style: chr9-97879675-G-A.
Other names: c.997-3C>T (NM_001243743.2, NM_001243744.2).
Identifiers: ClinVar variation 237079 (VCV000237079.15), dbSNP rs878853674, ClinGen allele CA10582666.

ClinVar aggregate classification (germline): Uncertain significance. Review status: criteria provided, multiple submitters, no conflicts (2 of 4 stars). 4 submissions from 4 submitters: Uncertain significance (3). 1 of the submissions does not count toward it. Last evaluated 2025-04-17.

Conditions:
Hereditary cancer-predisposing syndrome. Also called: Hereditary neoplastic syndrome; Hereditary Cancer Syndrome; Neoplastic Syndromes, Hereditary; Tumor predisposition. Identifiers: Orphanet 140162, MedGen C0027672, MeSH D009386, MONDO:0015356.
Fanconi anemia (FA). Also called: Fanconi's anemia. Identifiers: Orphanet 84, MedGen C0015625, MeSH D005199, MONDO:0019391.

Allele frequency attached by ClinVar (database versions not stated): gnomAD exomes below 0.00001.
gnomAD v4.1: 1 of 1,613,138 alleles (0.000062%); highest among the groups gnomAD compares: Non-Finnish European, 0.000085%; no homozygotes.

Submissions (4):

Labcorp Genetics (formerly Invitae), Labcorp
Classification: Uncertain significance for Fanconi anemia. Last evaluated: 2025-04-17. Review status: criteria provided, single submitter. Criteria: Invitae Variant Classification Sherloc (09022015). Collection method: clinical testing. Allele origin: germline.
Comment: This sequence change falls in intron 10 of the FANCC gene. It does not directly change the encoded amino acid sequence of the FANCC protein. It affects a nucleotide within the consensus splice site. This variant is not present in population databases (gnomAD no frequency). This variant has not been reported in the literature in individuals affected with FANCC-related conditions. ClinVar contains an entry for this variant (Variation ID: 237079). Variants that disrupt the consensus splice site are a relatively common cause of aberrant splicing (PMID: 17576681, 9536098). Algorithms developed to predict the effect of sequence changes on RNA splicing suggest that this variant may disrupt the consensus splice site. In summary, the available evidence is currently insufficient to determine the role of this variant in disease. Therefore, it has been classified as a Variant of Uncertain Significance.

GeneDx
Classification: Uncertain significance. Last evaluated: 2023-06-06. Review status: criteria provided, single submitter. Criteria: GeneDx Variant Classification Process June 2021. Collection method: clinical testing. Allele origin: germline. Affected: yes.
Comment: Not observed at significant frequency in large population cohorts (gnomAD); Observed in 0/421 pancreatic cancer cases and in 1/654 controls (Couch et al., 2005); In silico analysis is inconclusive as to whether the variant alters gene splicing. In the absence of RNA/functional studies, the actual effect of this sequence change is unknown.; Also known as IVS9-3C>T; This variant is associated with the following publications: (PMID: 15695377)

Ambry Genetics
Classification: Uncertain significance for Hereditary cancer-predisposing syndrome. Last evaluated: 2023-04-03. Review status: criteria provided, single submitter. Criteria: Ambry Variant Classification Scheme 2023. Collection method: clinical testing. Allele origin: germline.
Comment: The c.997-3C>T intronic variant results from a C to T substitution 3 nucleotides upstream from coding exon 10 in the FANCC gene. This nucleotide position is poorly conserved in available vertebrate species. In silico splice site analysis for this alteration is inconclusive. Since supporting evidence is limited at this time, the clinical significance of this alteration remains unclear.

Natera, Inc.
Classification: Uncertain significance for Fanconi anemia. Last evaluated: 2021-05-19. Review status: no assertion criteria provided. Collection method: clinical testing. Allele origin: germline. Not counted in ClinVar's aggregate classification.

Literature cited by the submitters: PubMed 17576681 (cited by Labcorp Genetics (formerly Invitae), Labcorp); PubMed 9536098 (cited by Labcorp Genetics (formerly Invitae), Labcorp).